The following is an entry in ClinVar:

NM_003334.4(UBA1):c.1115C>A (p.Ala372Glu)

Gene: UBA1 (ubiquitin like modifier activating enzyme 1; plus strand). Cytogenetic location: Xp11.3.
Variant type: single nucleotide variant.
Coding change: c.1115C>A on transcript NM_003334.4 (MANE Select); coding-DNA position 1115, C replaced by A.
Protein change: p.Ala372Glu; replaces alanine 372 with glutamic acid.
Molecular consequence: missense variant.
Genome position (GRCh38, 1-based): chrX:47,202,696, C>A. VCF-style: chrX-47202696-C-A. GRCh37 (hg19) VCF-style: chrX-47062095-C-A.
Other names: c.1115C>A, p.Ala372Glu (NM_153280.3); short protein forms A372E.
Identifiers: ClinVar variation 1035681 (VCV001035681.9), dbSNP rs782051479, ClinGen allele CA10395848.

ClinVar aggregate classification (germline): Uncertain significance (1 of 4 stars; one submission).

Conditions:
Infantile-onset X-linked spinal muscular atrophy. Also called: SPINAL MUSCULAR ATROPHY, X-LINKED LETHAL INFANTILE; Spinal muscular atrophy, X-linked 2; AMC, DISTAL, X-LINKED; ARTHROGRYPOSIS, X-LINKED, TYPE I; Spinal Muscular Atrophy, X-Linked Infantile. Identifiers: Orphanet 1145, MedGen C1844934, MONDO:0010532, OMIM 301830.

Allele frequency attached by ClinVar (database versions not stated): ExAC 0.00001; gnomAD exomes 0.00001; TOPMed 0.00001; gnomAD 0.00002.

Submission:

Labcorp Genetics (formerly Invitae), Labcorp
Classification: Uncertain significance for Infantile-onset X-linked spinal muscular atrophy. Last evaluated: 2024-04-02. Review status: criteria provided, single submitter. Criteria: Invitae Variant Classification Sherloc (09022015). Collection method: clinical testing. Allele origin: germline.
Comment: This sequence change replaces alanine, which is neutral and non-polar, with glutamic acid, which is acidic and polar, at codon 372 of the UBA1 protein (p.Ala372Glu). This variant is present in population databases (rs782051479, gnomAD 0.001%). This variant has not been reported in the literature in individuals affected with UBA1-related conditions. ClinVar contains an entry for this variant (Variation ID: 1035681). An algorithm developed to predict the effect of missense changes on protein structure and function (PolyPhen-2) suggests that this variant is likely to be tolerated. In summary, the available evidence is currently insufficient to determine the role of this variant in disease. Therefore, it has been classified as a Variant of Uncertain Significance.